The following is an entry in ClinVar:

NM_000218.3(KCNQ1):c.541C>T (p.Arg181Cys)

Gene: KCNQ1 (potassium voltage-gated channel subfamily Q member 1; plus strand). Cytogenetic location: 11p15.5.
Variant type: single nucleotide variant.
Coding change: c.541C>T on transcript NM_000218.3 (MANE Select); coding-DNA position 541, C replaced by T.
Protein change: p.Arg181Cys; replaces arginine 181 with cysteine.
Molecular consequence: missense variant.
Genome position (GRCh38, 1-based): chr11:2,570,691, C>T. VCF-style: chr11-2570691-C-T. GRCh37 (hg19) VCF-style: chr11-2591921-C-T.
Other names: c.541C>T (LRG_287t1); c.541C>T, p.Arg181Cys (NM_001406836.1); c.271C>T, p.Arg91Cys (NM_001406837.1); c.160C>T, p.Arg54Cys (NM_181798.2); short protein forms R181C, R54C, R91C.
Identifiers: ClinVar variation 67079 (VCV000067079.19), dbSNP rs199473395, ClinGen allele CA007388.

ClinVar aggregate classification (germline): Uncertain significance. Review status: criteria provided, multiple submitters, no conflicts (2 of 4 stars). 7 submissions from 7 submitters: Uncertain significance (6). 1 of the submissions does not count toward it. Last evaluated 2025-12-11.

Conditions:
Long QT syndrome (LQTS). Identifiers: MedGen C0023976, MeSH D008133, MONDO:0002442. Disease mechanism: loss of function. Inheritance: Various modes of inheritance.
Cardiac arrhythmia. Also called: Arrhythmia; Cardiac rhythm disease. Identifiers: MedGen C0003811, MONDO:0007263, HP:0011675.
Cardiovascular phenotype. Identifiers: MedGen CN230736.
Long QT syndrome 1 (LQT1). Identifiers: Orphanet 101016, Orphanet 768, MedGen C4551647, MONDO:0100316, OMIM 192500, MONDO:0008646.

Allele frequency attached by ClinVar (database versions not stated): gnomAD 0.00001; gnomAD exomes 0.00002; TOPMed 0.00002; ExAC 0.00003.
gnomAD v4.1: 31 of 1,612,594 alleles (0.0019%); highest among the groups gnomAD compares: Admixed American, 0.005%; no homozygotes.

Submissions (7):

Color Diagnostics, LLC DBA Color Health
Classification: Uncertain significance for Cardiac arrhythmia. Last evaluated: 2025-12-11. Review status: criteria provided, single submitter. Criteria: ACMG Guidelines, 2015. Collection method: clinical testing. Allele origin: germline.
Comment: This missense variant replaces arginine with cysteine at codon 181 of the KCNQ1 protein. Computational prediction suggests that this variant may have deleterious impact on protein structure and function. A functional study has suggested that this variant may increase current amplitudes compared with wild-type channels (PMID: 24947509). This variant has been reported in two individuals affected with hypertrophic cardiomyopathy (PMID: 25351510). This variant has been identified in 31/1612594 chromosomes in the general population by the Genome Aggregation Database (gnomAD). The available evidence is insufficient to determine the role of this variant in disease conclusively. Therefore, this variant is classified as a Variant of Uncertain Significance.

Labcorp Genetics (formerly Invitae), Labcorp
Classification: Uncertain significance for Long QT syndrome. Last evaluated: 2025-07-30. Review status: criteria provided, single submitter. Criteria: Invitae Variant Classification Sherloc (09022015). Collection method: clinical testing. Allele origin: germline.
Comment: This sequence change replaces arginine, which is basic and polar, with cysteine, which is neutral and slightly polar, at codon 181 of the KCNQ1 protein (p.Arg181Cys). This variant is present in population databases (rs199473395, gnomAD 0.005%). This variant has not been reported in the literature in individuals affected with KCNQ1-related conditions. ClinVar contains an entry for this variant (Variation ID: 67079). Invitae Evidence Modeling of protein sequence and biophysical properties (such as structural, functional, and spatial information, amino acid conservation, physicochemical variation, residue mobility, and thermodynamic stability) has been performed for this missense variant. However, the output from this modeling did not meet the statistical confidence thresholds required to predict the impact of this variant on KCNQ1 protein function. Experimental studies have shown that this missense change affects KCNQ1 function (PMID: 24947509). In summary, the available evidence is currently insufficient to determine the role of this variant in disease. Therefore, it has been classified as a Variant of Uncertain Significance.

All of Us Research Program, National Institutes of Health
Classification: Uncertain significance for Long QT syndrome. Last evaluated: 2024-05-14. Review status: criteria provided, single submitter. Criteria: ACMG Guidelines, 2015. Collection method: clinical testing. Allele origin: germline. Inheritance: Autosomal dominant inheritance. Observed: 10 variant alleles, 10 heterozygotes.
Comment: Variant of Uncertain Significance due to insufficient evidence: This missense variant is located in the cytoplasmic linker between transmembrane domain S2 and S3 domain of the KCNQ1 protein. Computational prediction tools and conservation analyses suggest that this variant may have deleterious impact on the protein function. Computational splicing tools suggest that this variant may not impact RNA splicing. An experimental functional study has suggested that this variant may increase current amplitudes compared with wild type channels (PMID: 24947509). However, clinical significance of this finding is not clear. This variant has not been reported in individuals affected with cardiovascular disorders in the literature. This variant has been identified in 5/275944 chromosomes in the general population by the Genome Aggregation Database (gnomAD). Available evidence is insufficient to determine the pathogenicity of this variant conclusively.

This study involves interpretation of variants in research participants for the purpose of population health screening. Participant phenotype was not available at the time of variant classification. Additional details can be found in publication PMID: 35346344, PMCID: PMC8962531

Genomic Medicine Center of Excellence, King Faisal Specialist Hospital and Research Centre
Classification: Uncertain significance for Long QT syndrome 1. Last evaluated: 2024-03-26. Review status: criteria provided, single submitter. Criteria: ACMG Guidelines, 2015. Collection method: clinical testing. Allele origin: germline.

Ambry Genetics
Classification: Uncertain significance for Cardiovascular phenotype. Last evaluated: 2024-01-04. Review status: criteria provided, single submitter. Criteria: Ambry Variant Classification Scheme 2023. Collection method: clinical testing. Allele origin: germline.
Comment: The p.R181C variant (also known as c.541C>T), located in coding exon 3 of the KCNQ1 gene, results from a C to T substitution at nucleotide position 541. The arginine at codon 181 is replaced by cysteine, an amino acid with highly dissimilar properties. This variant has been detected in a control from a long QT syndrome study; however, clinical details were limited (Kapa S et al. Circulation, 2009 Nov;120:1752-60). One functional study has suggested that this variant may result in increased channel current compared to wild type (Eckey K et al. J Biol Chem. 2014 Aug;289(33):22749-22758). This amino acid position is highly conserved in available vertebrate species. In addition, this alteration is predicted to be deleterious by in silico analysis. Since supporting evidence is limited at this time, the clinical significance of this alteration remains unclear.

Blueprint Genetics
Classification: Uncertain significance. Last evaluated: 2022-07-13. Review status: criteria provided, single submitter. Criteria: ACMG Guidelines, 2015. Collection method: clinical testing. Allele origin: germline.

Cardiovascular Biomedical Research Unit, Royal Brompton & Harefield NHS Foundation Trust
No classification provided. Review status: no classification provided. Collection method: literature only. Allele origin: germline. Not counted in ClinVar's aggregate classification.
Comment: This variant has been reported in the following publications (PMID:19841300).

Literature cited by the submitters: PubMed 24947509 (cited by 4 submitters); PubMed 25351510 (cited by Color Diagnostics, LLC DBA Color Health); PubMed 19841300 (cited by Ambry Genetics and Cardiovascular Biomedical Research Unit, Royal Brompton & Harefield NHS Foundation Trust); PubMed 22581653 (cited by Cardiovascular Biomedical Research Unit, Royal Brompton & Harefield NHS Foundation Trust).